The following is an entry in ClinVar:

ClinVar aggregate classification (germline): Uncertain significance (1 of 4 stars; one submission).

Conditions:
Mitochondrial trifunctional protein deficiency. Identifiers: Orphanet 746, MedGen C1969443, MONDO:0012172.
Long chain 3-hydroxyacyl-CoA dehydrogenase deficiency. Also called: Deficiency of long-chain 3-hydroxyacyl-coenzyme A dehydrogenase; LCHAD Deficiency. Identifiers: Orphanet 5, MedGen C3711645, MONDO:0012173, OMIM 609016.

Submission:

Labcorp Genetics (formerly Invitae), Labcorp
Classification: Uncertain significance for Mitochondrial trifunctional protein deficiency; Long chain 3-hydroxyacyl-CoA dehydrogenase deficiency. Last evaluated: 2024-09-22. Review status: criteria provided, single submitter. Criteria: Invitae Variant Classification Sherloc (09022015). Collection method: clinical testing. Allele origin: germline.
Comment: This sequence change falls in intron 11 of the HADHA gene. It does not directly change the encoded amino acid sequence of the HADHA protein. It affects a nucleotide within the consensus splice site. This variant is not present in population databases (gnomAD no frequency). This variant has not been reported in the literature in individuals affected with HADHA-related conditions. Variants that disrupt the consensus splice site are a relatively common cause of aberrant splicing (PMID: 17576681, 9536098). Algorithms developed to predict the effect of sequence changes on RNA splicing suggest that this variant may disrupt the consensus splice site. In summary, the available evidence is currently insufficient to determine the role of this variant in disease. Therefore, it has been classified as a Variant of Uncertain Significance.

Literature cited by the submitters: PubMed 17576681; PubMed 9536098.

NM_000182.5(HADHA):c.1085+5G>A

Gene: HADHA (hydroxyacyl-CoA dehydrogenase trifunctional multienzyme complex subunit alpha; minus strand). Cytogenetic location: 2p23.3.
Variant type: single nucleotide variant.
Coding change: c.1085+5G>A on transcript NM_000182.5 (MANE Select); 5 bases into the intron after coding-DNA position 1085, G replaced by A.
Molecular consequence: intron variant.
Genome position (GRCh38, 1-based): chr2:26,209,775, C>T on the plus strand (G>A on the coding strand, the complement: HADHA is on the minus strand). VCF-style: chr2-26209775-C-T. GRCh37 (hg19) VCF-style: chr2-26432644-C-T.
Identifiers: ClinVar variation 3748449 (VCV003748449.2).
Genomic context (GRCh38, chr2:26,209,775, plus strand): 5'-AAAGCCTCTGTGAACTTTGCACACAGTAAAATTCACAAGGGCTTCCTACGTAGAGTTTAA[C>T]TTACTTAACATCCTTCTGTGGAGCTCCAAATTTATTCTTCTTGCACAGGACCTGACCATG-3'